The following is an entry in ClinVar:

NC_000005.9:g.(?_80109393)_(80109570_?)del

Gene: MSH3 (mutS homolog 3; plus strand). Cytogenetic location: 5q14.1.
Variant type: Deletion.
Identifiers: ClinVar variation 1074255 (VCV001074255.6).

ClinVar aggregate classification (germline): Pathogenic (1 of 4 stars; one submission).

Submission:

Labcorp Genetics (formerly Invitae), Labcorp
Classification: Pathogenic. Last evaluated: 2023-09-04. Review status: criteria provided, single submitter. Criteria: Invitae Variant Classification Sherloc (09022015). Collection method: clinical testing. Allele origin: germline.
Comment: This variant is a gross deletion of the genomic region encompassing exon(s) 20 of the MSH3 gene. This deletion is out-of-frame, and is expected to create a premature termination codon and result in an absent or disrupted protein product. Loss-of-function variants in MSH3 are known to be pathogenic (PMID: 27476653, 37402566). This variant has not been reported in the literature in individuals affected with MSH3-related conditions. For these reasons, this variant has been classified as Pathogenic.

Literature cited by the submitters: PubMed 27476653; PubMed 37402566.